The following is an entry in ClinVar:

ClinVar aggregate classification (germline): Uncertain significance (1 of 4 stars; one submission).

Allele frequency attached by ClinVar (database versions not stated): gnomAD 0.00001; TOPMed 0.00001.
gnomAD v4.1: 2 of 1,614,010 alleles (0.00012%); highest among the groups gnomAD compares: Non-Finnish European, 0.00017%; no homozygotes.

Submission:

Labcorp Genetics (formerly Invitae), Labcorp
Classification: Uncertain significance. Last evaluated: 2025-02-24. Review status: criteria provided, single submitter. Criteria: Invitae Variant Classification Sherloc (09022015). Collection method: clinical testing. Allele origin: germline.
Comment: This sequence change replaces tyrosine, which is neutral and polar, with phenylalanine, which is neutral and non-polar, at codon 2038 of the SZT2 protein (p.Tyr2038Phe). This variant is not present in population databases (gnomAD no frequency). This variant has not been reported in the literature in individuals affected with SZT2-related conditions. ClinVar contains an entry for this variant (Variation ID: 1024995). Invitae Evidence Modeling of protein sequence and biophysical properties (such as structural, functional, and spatial information, amino acid conservation, physicochemical variation, residue mobility, and thermodynamic stability) indicates that this missense variant is expected to disrupt SZT2 protein function with a positive predictive value of 80%. In summary, the available evidence is currently insufficient to determine the role of this variant in disease. Therefore, it has been classified as a Variant of Uncertain Significance.

NM_001365999.1(SZT2):c.6284A>T (p.Tyr2095Phe)

Gene: SZT2 (SZT2 subunit of KICSTOR complex; plus strand). Cytogenetic location: 1p34.2.
Variant type: single nucleotide variant.
Coding change: c.6284A>T on transcript NM_001365999.1 (MANE Select); coding-DNA position 6284, A replaced by T.
Protein change: p.Tyr2095Phe; replaces tyrosine 2095 with phenylalanine.
Molecular consequence: missense variant.
Genome position (GRCh38, 1-based): chr1:43,437,502, A>T. VCF-style: chr1-43437502-A-T. GRCh37 (hg19) VCF-style: chr1-43903173-A-T.
Other names: c.6113A>T, p.Tyr2038Phe (NM_015284.4); short protein forms Y2038F, Y2095F.
Identifiers: ClinVar variation 1024995 (VCV001024995.8), dbSNP rs947784174, ClinGen allele CA340029039.